The following is an entry in ClinVar:

ClinVar aggregate classification (germline): Uncertain significance (1 of 4 stars; one submission).

Submission:

Ambry Genetics
Classification: Uncertain significance. Last evaluated: 2024-10-11. Review status: criteria provided, single submitter. Criteria: Ambry Variant Classification Scheme 2023. Collection method: clinical testing. Allele origin: germline.
Comment: The p.E108D variant (also known as c.324A>C), located in coding exon 2 of the MNDA gene, results from an A to C substitution at nucleotide position 324. The glutamic acid at codon 108 is replaced by aspartic acid, an amino acid with highly similar properties. This amino acid position is conserved. In addition, this alteration is predicted to be tolerated by in silico analysis. Since supporting evidence is limited at this time, the clinical significance of this alteration remains unclear.

NM_002432.3(MNDA):c.324A>C (p.Glu108Asp)

Gene: MNDA (myeloid cell nuclear differentiation antigen; plus strand). Cytogenetic location: 1q23.1.
Variant type: single nucleotide variant.
Coding change: c.324A>C on transcript NM_002432.3 (MANE Select); coding-DNA position 324, A replaced by C.
Protein change: p.Glu108Asp; replaces glutamic acid 108 with aspartic acid.
Molecular consequence: missense variant.
Genome position (GRCh38, 1-based): chr1:158,843,337, A>C. VCF-style: chr1-158843337-A-C. GRCh37 (hg19) VCF-style: chr1-158813127-A-C.
Other names: short protein forms E108D.
Identifiers: ClinVar variation 1729379 (VCV001729379.3), dbSNP rs2526079177, ClinGen allele CA343038643.
Genomic context (GRCh38, chr1:158,843,337, plus strand): 5'-AGTTGCTAAGAAAATTAAAACACAAGAAAAAGCTCCAGTGAAAAAAATAAACCAGGAAGA[A>C]GTGGGTCTTGCGGCACCTGCACCCACCGCAAGAAACAAACTGACATCGGAAGCAAGAGGG-3'
Protein context (NP_002423.1, residues 98-118): KAPVKKINQE[Glu108Asp]VGLAAPAPTA